The following is an entry in ClinVar:

ClinVar aggregate classification (germline): Uncertain significance (1 of 4 stars; one submission).

Conditions:
Acute myeloid leukemia (AML). Also called: Acute myeloid leukemia, adult; AML adult; Acute non-lymphocytic leukemia; Acute granulocytic leukemia; Leukemia, acute myeloid, somatic; Leukemia, acute myelogenous, somatic. Identifiers: Orphanet 519, MedGen C0023467, MeSH D015470, MONDO:0018874, OMIM 601626, HP:0004808. Disease mechanism: Constitutively activated FLT3.

Allele frequency attached by ClinVar (database versions not stated): gnomAD exomes below 0.00001.
gnomAD v4.1: 1 of 1,238,550 alleles (0.000081%); highest among the groups gnomAD compares: Non-Finnish European, 0.0001%; no homozygotes.

Submission:

Labcorp Genetics (formerly Invitae), Labcorp
Classification: Uncertain significance for Acute myeloid leukemia. Last evaluated: 2023-10-17. Review status: criteria provided, single submitter. Criteria: Invitae Variant Classification Sherloc (09022015). Collection method: clinical testing. Allele origin: germline.
Comment: This sequence change replaces proline, which is neutral and non-polar, with arginine, which is basic and polar, at codon 204 of the CEBPA protein (p.Pro204Arg). This variant is not present in population databases (gnomAD no frequency). This variant has not been reported in the literature in individuals affected with CEBPA-related conditions. Advanced modeling of protein sequence and biophysical properties (such as structural, functional, and spatial information, amino acid conservation, physicochemical variation, residue mobility, and thermodynamic stability) performed at Invitae indicates that this missense variant is not expected to disrupt CEBPA protein function. In summary, the available evidence is currently insufficient to determine the role of this variant in disease. Therefore, it has been classified as a Variant of Uncertain Significance.

NM_004364.5(CEBPA):c.611C>G (p.Pro204Arg)

Gene: CEBPA (CCAAT enhancer binding protein alpha; minus strand). Cytogenetic location: 19q13.11.
Variant type: single nucleotide variant.
Coding change: c.611C>G on transcript NM_004364.5 (MANE Select); coding-DNA position 611, C replaced by G.
Protein change: p.Pro204Arg; replaces proline 204 with arginine.
Molecular consequence: missense variant.
Genome position (GRCh38, 1-based): chr19:33,301,804, G>C on the plus strand (C>G on the coding strand, the complement: CEBPA is on the minus strand). VCF-style: chr19-33301804-G-C. GRCh37 (hg19) VCF-style: chr19-33792710-G-C.
Other names: c.254C>G, p.Pro85Arg (NM_001285829.2); c.716C>G, p.Pro239Arg (NM_001287424.2); c.569C>G, p.Pro190Arg (NM_001287435.2); short protein forms P190R, P239R, P204R, P85R.
Identifiers: ClinVar variation 2793643 (VCV002793643.3), dbSNP rs1336142719, ClinGen allele CA405274585.